The following is an entry in ClinVar:

NM_001085411.3(NADK2):c.561-3T>C

Gene: NADK2 (NAD kinase 2, mitochondrial; minus strand). Cytogenetic location: 5p13.2.
Variant type: single nucleotide variant.
Coding change: c.561-3T>C on transcript NM_001085411.3 (MANE Select); 3 bases into the intron before coding-DNA position 561, T replaced by C.
Molecular consequence: intron variant.
Genome position (GRCh38, 1-based): chr5:36,219,682, A>G on the plus strand (T>C on the coding strand, the complement: NADK2 is on the minus strand). VCF-style: chr5-36219682-A-G. GRCh37 (hg19) VCF-style: chr5-36219784-A-G.
Other names: c.72-3T>C (NM_153013.5, NM_001287341.2, NM_001287340.2).
Identifiers: ClinVar variation 1897806 (VCV001897806.5), dbSNP rs537421100, ClinGen allele CA3234681.

ClinVar aggregate classification (germline): Uncertain significance (1 of 4 stars; one submission).

Conditions:
Progressive encephalopathy with leukodystrophy due to DECR deficiency. Identifiers: Orphanet 431361, MedGen C1857252, MONDO:0014464, OMIM 616034.

Allele frequency attached by ClinVar (database versions not stated): ExAC 0.00004; 1000 Genomes Project 30x 0.00016; 1000 Genomes Project 0.00020.

Submission:

Labcorp Genetics (formerly Invitae), Labcorp
Classification: Uncertain significance for Progressive encephalopathy with leukodystrophy due to DECR deficiency. Last evaluated: 2026-01-19. Review status: criteria provided, single submitter. Criteria: Invitae Variant Classification Sherloc (09022015). Collection method: clinical testing. Allele origin: germline.
Comment: This sequence change falls in intron 4 of the NADK2 gene. It does not directly change the encoded amino acid sequence of the NADK2 protein. It affects a nucleotide within the consensus splice site. This variant is present in population databases (rs537421100, gnomAD 0.02%). This variant has not been reported in the literature in individuals affected with NADK2-related conditions. ClinVar contains an entry for this variant (Variation ID: 1897806). Variants that disrupt the consensus splice site are a relatively common cause of aberrant splicing (PMID: 17576681, 9536098). Algorithms developed to predict the effect of sequence changes on RNA splicing suggest that this variant is not likely to affect RNA splicing. In summary, the available evidence is currently insufficient to determine the role of this variant in disease. Therefore, it has been classified as a Variant of Uncertain Significance.

Literature cited by the submitters: PubMed 17576681; PubMed 9536098.